The following is an entry in ClinVar:

ClinVar aggregate classification (germline): Uncertain significance (1 of 4 stars; one submission).

Submission:

Labcorp Genetics (formerly Invitae), Labcorp
Classification: Uncertain significance. Last evaluated: 2025-07-24. Review status: criteria provided, single submitter. Criteria: Invitae Variant Classification Sherloc (09022015). Collection method: clinical testing. Allele origin: germline.
Comment: This sequence change replaces phenylalanine, which is neutral and non-polar, with serine, which is neutral and polar, at codon 675 of the ATP2A2 protein (p.Phe675Ser). This variant is not present in population databases (gnomAD no frequency). This missense change has been observed in individual(s) with Darier disease (PMID: 10441324). Invitae Evidence Modeling of protein sequence and biophysical properties (such as structural, functional, and spatial information, amino acid conservation, physicochemical variation, residue mobility, and thermodynamic stability) indicates that this missense variant is expected to disrupt ATP2A2 protein function with a positive predictive value of 80%. Experimental studies have shown that this missense change affects ATP2A2 function (PMID: 16766529). In summary, the available evidence is currently insufficient to determine the role of this variant in disease. Therefore, it has been classified as a Variant of Uncertain Significance.

Literature cited by the submitters: PubMed 10441324; PubMed 16766529.

NM_170665.4(ATP2A2):c.2024T>C (p.Phe675Ser)

Genes: ATP2A2 (ATPase sarcoplasmic/endoplasmic reticulum Ca2+ transporting 2; plus strand), LOC126861637 (MED14-independent group 3 enhancer GRCh37_chr12:110778306-110779505; plus strand). Cytogenetic location: 12q24.11.
Variant type: single nucleotide variant.
Coding change: c.2024T>C on transcript NM_170665.4 (MANE Select); coding-DNA position 2024, T replaced by C.
Protein change: p.Phe675Ser; replaces phenylalanine 675 with serine.
Molecular consequence: missense variant.
Genome position (GRCh38, 1-based): chr12:110,340,921, T>C. VCF-style: chr12-110340921-T-C. GRCh37 (hg19) VCF-style: chr12-110778726-T-C.
Other names: c.1919T>C, p.Phe640Ser (NM_001413013.1); c.2024T>C, p.Phe675Ser (NM_001413014.1, NM_001681.4); c.1649T>C, p.Phe550Ser (NM_001413015.1); short protein forms F550S, F675S, F640S.
Identifiers: ClinVar variation 4710038 (VCV004710038.1).